The following is an entry in ClinVar:

ClinVar aggregate classification (germline): Uncertain significance (1 of 4 stars; one submission).

Conditions:
Hereditary cancer-predisposing syndrome. Also called: Hereditary Cancer Syndrome; Hereditary neoplastic syndrome; Neoplastic Syndromes, Hereditary; Tumor predisposition. Identifiers: Orphanet 140162, MedGen C0027672, MeSH D009386, MONDO:0015356.

Submission:

Ambry Genetics
Classification: Uncertain significance for Hereditary cancer-predisposing syndrome. Last evaluated: 2025-06-22. Review status: criteria provided, single submitter. Criteria: Ambry Variant Classification Scheme 2023. Collection method: clinical testing. Allele origin: germline.
Comment: The p.N78D variant (also known as c.232A>G), located in coding exon 2 of the FH gene, results from an A to G substitution at nucleotide position 232. The asparagine at codon 78 is replaced by aspartic acid, an amino acid with highly similar properties. This amino acid position is conserved. In addition, this alteration is predicted to be deleterious by in silico analysis. Based on the available evidence, the clinical significance of this variant remains unclear.

NM_000143.4(FH):c.232A>G (p.Asn78Asp)

Gene: FH (fumarate hydratase; minus strand). Cytogenetic location: 1q43.
Variant type: single nucleotide variant.
Coding change: c.232A>G on transcript NM_000143.4 (MANE Select); coding-DNA position 232, A replaced by G.
Protein change: p.Asn78Asp; replaces asparagine 78 with aspartic acid.
Molecular consequence: missense variant.
Genome position (GRCh38, 1-based): chr1:241,517,217, T>C on the plus strand (A>G on the coding strand, the complement: FH is on the minus strand). VCF-style: chr1-241517217-T-C. GRCh37 (hg19) VCF-style: chr1-241680517-T-C.
Other names: short protein forms N78D.
Identifiers: ClinVar variation 4257335 (VCV004257335.1).